The following is an entry in ClinVar:

ClinVar aggregate classification (germline): Likely benign. Review status: criteria provided, single submitter (1 of 4 stars). 2 submissions from 2 submitters: Likely benign (1). 1 of the submissions does not count toward it. Last evaluated 2023-07-06.

Conditions:
EIF2B4-related disorder. Also called: EIF2B4-related condition.

Allele frequency attached by ClinVar (database versions not stated): gnomAD 0.00004; TOPMed 0.00004; ExAC 0.00006; ESP Exome Variant Server 0.00008.

Submissions (2):

Labcorp Genetics (formerly Invitae), Labcorp
Classification: Likely benign. Last evaluated: 2023-07-06. Review status: criteria provided, single submitter. Criteria: Invitae Variant Classification Sherloc (09022015). Collection method: clinical testing. Allele origin: germline.

PreventionGenetics, part of Exact Sciences
Classification: Likely benign for EIF2B4-related condition. Last evaluated: 2019-11-27. Review status: no assertion criteria provided. Collection method: clinical testing. Allele origin: germline. Not counted in ClinVar's aggregate classification.
Comment: This variant is classified as likely benign based on ACMG/AMP sequence variant interpretation guidelines (Richards et al. 2015 PMID: 25741868, with internal and published modifications).

NM_001034116.2(EIF2B4):c.657C>T (p.Val219=)

Gene: EIF2B4 (eukaryotic translation initiation factor 2B subunit delta; minus strand). Cytogenetic location: 2p23.3.
Variant type: single nucleotide variant.
Coding change: c.657C>T on transcript NM_001034116.2 (MANE Select); coding-DNA position 657, C replaced by T.
Protein change: p.Val219=; no amino-acid change (valine 219 retained).
Molecular consequence: synonymous variant.
Genome position (GRCh38, 1-based): chr2:27,368,073, G>A on the plus strand (C>T on the coding strand, the complement: EIF2B4 is on the minus strand). VCF-style: chr2-27368073-G-A. GRCh37 (hg19) VCF-style: chr2-27590940-G-A.
Other names: c.720C>T, p.Val240= (NM_001318965.2); c.612C>T, p.Val204= (NM_001318966.2); c.564C>T, p.Val188= (NM_001318967.2); c.72C>T, p.Val24= (NM_001318968.2); c.39C>T, p.Val13= (NM_001318969.2); c.654C>T, p.Val218= (NM_015636.4); c.717C>T, p.Val239= (NM_172195.4); c.657C>T (NM_001034116.1).
Identifiers: ClinVar variation 2724585 (VCV002724585.5), dbSNP rs376346942, ClinGen allele CA1576820.